The following is an entry in ClinVar:

ClinVar aggregate classification (germline): Uncertain significance (1 of 4 stars; one submission).

gnomAD v4.1: 3 of 1,613,942 alleles (0.00019%); highest among the groups gnomAD compares: South Asian, 0.0033%; no homozygotes.

Submission:

Labcorp Genetics (formerly Invitae), Labcorp
Classification: Uncertain significance. Last evaluated: 2024-08-28. Review status: criteria provided, single submitter. Criteria: Invitae Variant Classification Sherloc (09022015). Collection method: clinical testing. Allele origin: germline.
Comment: This sequence change replaces leucine, which is neutral and non-polar, with arginine, which is basic and polar, at codon 242 of the MYLK3 protein (p.Leu242Arg). This variant is not present in population databases (gnomAD no frequency). This variant has not been reported in the literature in individuals affected with MYLK3-related conditions. An algorithm developed to predict the effect of missense changes on protein structure and function (PolyPhen-2) suggests that this variant is likely to be disruptive. In summary, the available evidence is currently insufficient to determine the role of this variant in disease. Therefore, it has been classified as a Variant of Uncertain Significance.

NM_182493.3(MYLK3):c.725T>G (p.Leu242Arg)

Gene: MYLK3 (myosin light chain kinase 3; minus strand). Cytogenetic location: 16q11.2.
Variant type: single nucleotide variant.
Coding change: c.725T>G on transcript NM_182493.3 (MANE Select); coding-DNA position 725, T replaced by G.
Protein change: p.Leu242Arg; replaces leucine 242 with arginine.
Molecular consequence: missense variant. On other transcripts: intron variant (1).
Genome position (GRCh38, 1-based): chr16:46,737,987, A>C on the plus strand (T>G on the coding strand, the complement: MYLK3 is on the minus strand). VCF-style: chr16-46737987-A-C. GRCh37 (hg19) VCF-style: chr16-46771899-A-C.
Other names: c.-23+2070T>G (NM_001308301.1); short protein forms L242R.
Identifiers: ClinVar variation 3614446 (VCV003614446.2).
Genomic context (GRCh38, chr16:46,737,987, plus strand): 5'-AGGCCAGTCCTGAGGTTCTCGCTGGGTGTCTCAGGAGCCTTGGCTTCCACCTTTGTGGGC[A>C]GGGGCAGGTGGCCAGGGAATGCCTGGGCTGGGCCAGGAACACCATCTCCCTGGCCCGGTG-3'
Protein context (NP_872299.2, residues 232-252): PAQAFPGHLP[Leu242Arg]PTKVEAKAPE